The following is an entry in ClinVar:

NM_021120.4(DLG3):c.1145+697_1145+706del

Gene: DLG3 (discs large MAGUK scaffold protein 3; plus strand). Cytogenetic location: Xq13.1.
Variant type: Deletion.
Coding change: c.1145+697_1145+706del on transcript NM_021120.4 (MANE Select); bases 697 to 706 of the intron after coding-DNA position 1145, 10 bases deleted (GCTCCGCTCC; older notation c.1145+697_1145+706delGCTCCGCTCC).
Molecular consequence: intron variant. On other transcripts: frameshift variant (1).
Genome position (GRCh38, 1-based): chrX:70,452,723-70,452,732, GCTCCGCTCC deleted; deleting any 10 consecutive bases within chrX:70,452,721-70,452,732 gives the same sequence; the c. name uses the placement nearest the transcript's 3' end. VCF-style (leftmost placement, unchanged base first): chrX-70452720-GCCGCTCCGCT-G. GRCh37 (hg19) VCF-style: chrX-69672570-GCCGCTCCGCT-G.
Other names: c.102_111del, p.Leu35fs (NM_020730.3); short protein forms L35fs.
Identifiers: ClinVar variation 3375792 (VCV003375792.2).

ClinVar aggregate classification (germline): Uncertain significance (1 of 4 stars; one submission).

Submission:

GeneDx
Classification: Uncertain significance. Last evaluated: 2025-06-04. Review status: criteria provided, single submitter. Criteria: GeneDx Variant Classification Process June 2021. Collection method: clinical testing. Allele origin: germline.
Comment: Frameshift variant predicted to result in protein truncation or nonsense mediated decay in a transcript of the gene for which loss-of-function is not an established mechanism of disease; Not observed at significant frequency in large population cohorts (gnomAD); Has not been previously published as pathogenic or benign to our knowledge; Reported using an alternate transcript of the gene